The following is an entry in ClinVar:

ClinVar aggregate classification (germline): Uncertain significance (1 of 4 stars; one submission).

Conditions:
Accelerated tumor formation, susceptibility to (ACTFS). Identifiers: MedGen C3280690, OMIM 614401, MONDO:0013733.

gnomAD v4.1: 3 of 1,613,822 alleles (0.00019%); highest among the groups gnomAD compares: Admixed American, 0.0017%; no homozygotes.

Submission:

Labcorp Genetics (formerly Invitae), Labcorp
Classification: Uncertain significance for Accelerated tumor formation, susceptibility to. Last evaluated: 2024-10-17. Review status: criteria provided, single submitter. Criteria: Invitae Variant Classification Sherloc (09022015). Collection method: clinical testing. Allele origin: germline.
Comment: This sequence change replaces glutamic acid, which is acidic and polar, with glycine, which is neutral and non-polar, at codon 354 of the MDM2 protein (p.Glu354Gly). This variant is present in population databases (no rsID available, gnomAD 0.003%). This variant has not been reported in the literature in individuals affected with MDM2-related conditions. An algorithm developed to predict the effect of missense changes on protein structure and function outputs the following: PolyPhen-2: "Benign". The glycine amino acid residue is found in multiple mammalian species, which suggests that this missense change does not adversely affect protein function. In summary, the available evidence is currently insufficient to determine the role of this variant in disease. Therefore, it has been classified as a Variant of Uncertain Significance.

NM_002392.6(MDM2):c.1061A>G (p.Glu354Gly)

Gene: MDM2 (MDM2 proto-oncogene; plus strand). Cytogenetic location: 12q15.
Variant type: single nucleotide variant.
Coding change: c.1061A>G on transcript NM_002392.6 (MANE Select); coding-DNA position 1061, A replaced by G.
Protein change: p.Glu354Gly; replaces glutamic acid 354 with glycine.
Molecular consequence: missense variant.
Genome position (GRCh38, 1-based): chr12:68,839,416, A>G. VCF-style: chr12-68839416-A-G. GRCh37 (hg19) VCF-style: chr12-69233196-A-G.
Other names: c.902A>G, p.Glu301Gly (NM_001145337.3); c.896A>G, p.Glu299Gly (NM_001145339.2); c.455A>G, p.Glu152Gly (NM_001145340.3); c.533A>G, p.Glu178Gly (NM_001278462.2); c.1043A>G, p.Glu348Gly (NM_001367990.1); short protein forms E301G, E348G, E354G, E152G, E299G, E178G.
Identifiers: ClinVar variation 3716312 (VCV003716312.2).